The following is an entry in ClinVar:

ClinVar aggregate classification (germline): Uncertain significance. Review status: criteria provided, multiple submitters, no conflicts (2 of 4 stars). 4 submissions from 4 submitters: Uncertain significance (4). Last evaluated 2026-08-31.

Conditions:
Arrhythmogenic right ventricular dysplasia 1. Identifiers: Orphanet 3403, MedGen C1862511, MONDO:0007152, OMIM 107970.
Rienhoff syndrome. Also called: LOEYS-DIETZ SYNDROME 5. Identifiers: MedGen C3810012, MONDO:0014262, OMIM 615582.
Familial thoracic aortic aneurysm and aortic dissection (TAAD). Also called: Thoracic aortic aneurysms and dissections. Identifiers: Orphanet 91387, MedGen C4707243, MONDO:0019625.

Allele frequency attached by ClinVar (database versions not stated): gnomAD exomes 0.00001; ExAC 0.00001; TOPMed 0.00002; gnomAD 0.00001; ESP Exome Variant Server 0.00015.
gnomAD v4.1: 11 of 1,614,044 alleles (0.00068%); highest among the groups gnomAD compares: Non-Finnish European, 0.00085%; no homozygotes.

Submissions (4):

GeneDx
Classification: Uncertain significance. Last evaluated: 2026-08-31. Review status: criteria provided, single submitter. Criteria: GeneDx Variant Classification Process June 2021. Collection method: clinical testing. Allele origin: germline.
Comment: Identified in a pediatric patient with DCM in published literature (PMID: 32746448); Not observed at significant frequency in large population cohorts (gnomAD); In silico analysis supports that this missense variant has a deleterious effect on protein structure/function; This variant is associated with the following publications: (PMID: 32746448)

Labcorp Genetics (formerly Invitae), Labcorp
Classification: Uncertain significance for Rienhoff syndrome. Last evaluated: 2024-12-15. Review status: criteria provided, single submitter. Criteria: Invitae Variant Classification Sherloc (09022015). Collection method: clinical testing. Allele origin: germline.
Comment: This sequence change replaces arginine, which is basic and polar, with tryptophan, which is neutral and slightly polar, at codon 194 of the TGFB3 protein (p.Arg194Trp). This variant is present in population databases (rs368004396, gnomAD 0.003%). This missense change has been observed in individual(s) with dilated cardiomyopathy (PMID: 32746448). ClinVar contains an entry for this variant (Variation ID: 410271). An algorithm developed to predict the effect of missense changes on protein structure and function (PolyPhen-2) suggests that this variant is likely to be disruptive. In summary, the available evidence is currently insufficient to determine the role of this variant in disease. Therefore, it has been classified as a Variant of Uncertain Significance.

Ambry Genetics
Classification: Uncertain significance for Familial thoracic aortic aneurysm and aortic dissection. Last evaluated: 2024-04-12. Review status: criteria provided, single submitter. Criteria: Ambry Variant Classification Scheme 2023. Collection method: clinical testing. Allele origin: germline.
Comment: The p.R194W variant (also known as c.580C>T), located in coding exon 3 of the TGFB3 gene, results from a C to T substitution at nucleotide position 580. The arginine at codon 194 is replaced by tryptophan, an amino acid with dissimilar properties. This amino acid position is not well conserved in available vertebrate species. In addition, this alteration is predicted to be tolerated by in silico analysis. Since supporting evidence is limited at this time, the clinical significance of this alteration remains unclear.

Fulgent Genetics
Classification: Uncertain significance for Arrhythmogenic right ventricular dysplasia 1; Rienhoff syndrome. Last evaluated: 2021-11-05. Review status: criteria provided, single submitter. Criteria: ACMG Guidelines, 2015. Collection method: clinical testing. Allele origin: unknown.

Literature cited by the submitters: PubMed 32746448 (cited by Labcorp Genetics (formerly Invitae), Labcorp).

NM_003239.5(TGFB3):c.580C>T (p.Arg194Trp)

Gene: TGFB3 (transforming growth factor beta 3; minus strand). Cytogenetic location: 14q24.3.
Variant type: single nucleotide variant.
Coding change: c.580C>T on transcript NM_003239.5 (MANE Select); coding-DNA position 580, C replaced by T.
Protein change: p.Arg194Trp; replaces arginine 194 with tryptophan.
Molecular consequence: missense variant.
Genome position (GRCh38, 1-based): chr14:75,971,192, G>A on the plus strand (C>T on the coding strand, the complement: TGFB3 is on the minus strand). VCF-style: chr14-75971192-G-A. GRCh37 (hg19) VCF-style: chr14-76437535-G-A.
Other names: c.580C>T, p.Arg194Trp (NM_001329938.2, NM_001329939.2); short protein forms R194W.
Identifiers: ClinVar variation 410271 (VCV000410271.17), dbSNP rs368004396, ClinGen allele CA7280402.